The following is an entry in ClinVar:

NM_052846.2(EMILIN3):c.1838T>C (p.Leu613Ser)

Gene: EMILIN3 (elastin microfibril interfacer 3; minus strand). Cytogenetic location: 20q12.
Variant type: single nucleotide variant.
Coding change: c.1838T>C on transcript NM_052846.2 (MANE Select); coding-DNA position 1838, T replaced by C.
Protein change: p.Leu613Ser; replaces leucine 613 with serine.
Molecular consequence: missense variant.
Genome position (GRCh38, 1-based): chr20:41,361,731, A>G on the plus strand (T>C on the coding strand, the complement: EMILIN3 is on the minus strand). VCF-style: chr20-41361731-A-G. GRCh37 (hg19) VCF-style: chr20-39990371-A-G.
Other names: short protein forms L613S.
Identifiers: ClinVar variation 2652331 (VCV002652331.24), dbSNP rs11557909, ClinGen allele CA9861213.

ClinVar aggregate classification (germline): Likely benign (1 of 4 stars; one submission).

Allele frequency attached by ClinVar (database versions not stated): 1000 Genomes Project 0.00319; 1000 Genomes Project 30x 0.00359; ExAC 0.00364; gnomAD 0.00371; TOPMed 0.00399; gnomAD exomes 0.00433; ESP Exome Variant Server 0.00469.
gnomAD v4.1: 6,866 of 1,613,380 alleles (0.43%); highest among the groups gnomAD compares: Non-Finnish European, 0.51%; 29 homozygotes.

Submission:

CeGaT Center for Human Genetics Tuebingen
Classification: Likely benign. Last evaluated: 2023-02-01. Review status: criteria provided, single submitter. Criteria: CeGaT Center For Human Genetics Tuebingen Variant Classification Criteria Version 2. Collection method: clinical testing. Allele origin: germline. Affected: yes. Observed: 1 variant allele.
Comment: EMILIN3: BP4, BS2